The following is an entry in ClinVar:

ClinVar aggregate classification (germline): Uncertain significance (1 of 4 stars; one submission).

Submission:

GeneDx
Classification: Uncertain significance. Last evaluated: 2025-02-03. Review status: criteria provided, single submitter. Criteria: GeneDx Variant Classification Process June 2021. Collection method: clinical testing. Allele origin: germline.
Comment: In silico analysis supports that this missense variant has a deleterious effect on protein structure/function; Not observed at significant frequency in large population cohorts (gnomAD); Has not been previously published as pathogenic or benign to our knowledge; Variants in candidate genes are classified as variants of uncertain significance in accordance with ACMG guidelines (PMID: 25741868)

NM_006196.4(PCBP1):c.55C>T (p.Leu19Phe)

Genes: PCBP1 (poly(rC) binding protein 1; plus strand), PCBP1-AS1 (PCBP1 antisense RNA 1; minus strand). Cytogenetic location: 2p13.3.
Variant type: single nucleotide variant.
Coding change: c.55C>T on transcript NM_006196.4 (MANE Select); coding-DNA position 55, C replaced by T.
Protein change: p.Leu19Phe; replaces leucine 19 with phenylalanine.
Molecular consequence: missense variant. On other transcripts: non-coding transcript variant (5).
Genome position (GRCh38, 1-based): chr2:70,087,798, C>T. VCF-style: chr2-70087798-C-T. GRCh37 (hg19) VCF-style: chr2-70314930-C-T.
Other names: short protein forms L19F.
Identifiers: ClinVar variation 5016778 (VCV005016778.1).